The following is an entry in ClinVar:

NM_001042492.3(NF1):c.164T>G (p.Ile55Arg)

Gene: NF1 (neurofibromin 1; plus strand). Cytogenetic location: 17q11.2.
Variant type: single nucleotide variant.
Coding change: c.164T>G on transcript NM_001042492.3 (MANE Select); coding-DNA position 164, T replaced by G.
Protein change: p.Ile55Arg; replaces isoleucine 55 with arginine.
Molecular consequence: missense variant.
Genome position (GRCh38, 1-based): chr17:31,156,086, T>G. VCF-style: chr17-31156086-T-G. GRCh37 (hg19) VCF-style: chr17-29483104-T-G.
Other names: c.164T>G, p.Ile55Arg (NM_000267.4, NM_001128147.3); short protein forms I55R.
Identifiers: ClinVar variation 3364181 (VCV003364181.4).

ClinVar aggregate classification (germline): Uncertain significance. Review status: criteria provided, multiple submitters, no conflicts (2 of 4 stars). 3 submissions from 3 submitters: Uncertain significance (3). Last evaluated 2026-04-28.

Conditions:
Neurofibromatosis, type 1 (NF1). Also called: Neurofibromatosis, type I; VON RECKLINGHAUSEN DISEASE; NEUROFIBROMATOSIS, TYPE I, SOMATIC; Peripheral type neurofibromatosis. Identifiers: Orphanet 636, MedGen C0027831, MONDO:0018975, OMIM 162200. Disease mechanism: loss of function.
Hereditary cancer-predisposing syndrome. Also called: Hereditary Cancer Syndrome; Hereditary neoplastic syndrome; Neoplastic Syndromes, Hereditary; Tumor predisposition. Identifiers: Orphanet 140162, MedGen C0027672, MeSH D009386, MONDO:0015356.
Cardiovascular phenotype. Identifiers: MedGen CN230736.

Submissions (3):

Ambry Genetics
Classification: Uncertain significance for Cardiovascular phenotype; Hereditary cancer-predisposing syndrome. Last evaluated: 2026-04-28. Review status: criteria provided, single submitter. Criteria: Ambry Variant Classification Scheme 2023. Collection method: clinical testing. Allele origin: germline.
Comment: The p.I55R variant (also known as c.164T>G), located in coding exon 2 of the NF1 gene, results from a T to G substitution at nucleotide position 164. The isoleucine at codon 55 is replaced by arginine, an amino acid with similar properties. This variant was reported in individual(s) with features consistent with Neurofibromatosis type 1 (Ambry internal data). This amino acid position is highly conserved in available vertebrate species. In addition, the in silico prediction for this alteration is inconclusive. Based on the available evidence, the clinical significance of this variant remains unclear.

Labcorp Genetics (formerly Invitae), Labcorp
Classification: Uncertain significance for Neurofibromatosis, type 1. Last evaluated: 2025-07-24. Review status: criteria provided, single submitter. Criteria: Invitae Variant Classification Sherloc (09022015). Collection method: clinical testing. Allele origin: germline.
Comment: This sequence change replaces isoleucine, which is neutral and non-polar, with arginine, which is basic and polar, at codon 55 of the NF1 protein (p.Ile55Arg). This variant is not present in population databases (gnomAD no frequency). This variant has not been reported in the literature in individuals affected with NF1-related conditions. ClinVar contains an entry for this variant (Variation ID: 3364181). Invitae Evidence Modeling of protein sequence and biophysical properties (such as structural, functional, and spatial information, amino acid conservation, physicochemical variation, residue mobility, and thermodynamic stability) has been performed for this missense variant. However, the output from this modeling did not meet the statistical confidence thresholds required to predict the impact of this variant on NF1 protein function. In summary, the available evidence is currently insufficient to determine the role of this variant in disease. Therefore, it has been classified as a Variant of Uncertain Significance.

GeneDx
Classification: Uncertain significance. Last evaluated: 2025-06-25. Review status: criteria provided, single submitter. Criteria: GeneDx Variant Classification Process June 2021. Collection method: clinical testing. Allele origin: germline.
Comment: Not observed at significant frequency in large population cohorts (gnomAD); In silico analysis supports that this missense variant has a deleterious effect on protein structure/function; Has not been previously published as pathogenic or benign to our knowledge